The following is an entry in ClinVar:

NM_024675.4(PALB2):c.2563C>G (p.Leu855Val)

Gene: PALB2 (partner and localizer of BRCA2; minus strand). Cytogenetic location: 16p12.2.
Variant type: single nucleotide variant.
Coding change: c.2563C>G on transcript NM_024675.4 (MANE Select); coding-DNA position 2563, C replaced by G.
Protein change: p.Leu855Val; replaces leucine 855 with valine.
Molecular consequence: missense variant.
Genome position (GRCh38, 1-based): chr16:23,629,227, G>C on the plus strand (C>G on the coding strand, the complement: PALB2 is on the minus strand). VCF-style: chr16-23629227-G-C. GRCh37 (hg19) VCF-style: chr16-23640548-G-C.
Other names: short protein forms L855V.
Identifiers: ClinVar variation 492190 (VCV000492190.7), dbSNP rs1555460212, ClinGen allele CA395123728.
Genomic context (GRCh38, chr16:23,629,227, plus strand): 5'-TAAGACACGAGACACTGGAAGAGAATATTCTTCTGACCTTTAACTCTGAAACCAATTGTA[G>C]GTTGCCTGGGTTTATGCTATCAGAAGCAGGAAGCTCTGCTGTTTCAGTCTGTGAAAACAA-3'
Protein context (NP_078951.2, residues 845-865): PASDSINPGN[Leu855Val]QLVSELKNPS

ClinVar aggregate classification (germline): Uncertain significance. Review status: criteria provided, multiple submitters, no conflicts (2 of 4 stars). 2 submissions from 2 submitters: Uncertain significance (2). Last evaluated 2026-01-25.

Conditions:
Familial cancer of breast. Also called: Hereditary breast cancer; hereditary breast carcinoma; BREAST CANCER, FAMILIAL. Identifiers: Orphanet 227535, MedGen C0346153, MONDO:0016419, OMIM 114480. Disease mechanism: loss of function.
Hereditary cancer-predisposing syndrome. Also called: Hereditary neoplastic syndrome; Tumor predisposition; Hereditary Cancer Syndrome; Neoplastic Syndromes, Hereditary. Identifiers: Orphanet 140162, MedGen C0027672, MeSH D009386, MONDO:0015356.

Submissions (2):

Labcorp Genetics (formerly Invitae), Labcorp
Classification: Uncertain significance for Familial cancer of breast. Last evaluated: 2026-01-25. Review status: criteria provided, single submitter. Criteria: Invitae Variant Classification Sherloc (09022015). Collection method: clinical testing. Allele origin: germline.
Comment: This sequence change replaces leucine, which is neutral and non-polar, with valine, which is neutral and non-polar, at codon 855 of the PALB2 protein (p.Leu855Val). This variant is not present in population databases (gnomAD no frequency). This variant has not been reported in the literature in individuals affected with PALB2-related conditions. ClinVar contains an entry for this variant (Variation ID: 492190). Invitae Evidence Modeling of protein sequence and biophysical properties (such as structural, functional, and spatial information, amino acid conservation, physicochemical variation, residue mobility, and thermodynamic stability) indicates that this missense variant is expected to disrupt PALB2 protein function with a positive predictive value of 80%. In summary, the available evidence is currently insufficient to determine the role of this variant in disease. Therefore, it has been classified as a Variant of Uncertain Significance.

Color Diagnostics, LLC DBA Color Health
Classification: Uncertain significance for Hereditary cancer-predisposing syndrome. Last evaluated: 2023-12-04. Review status: criteria provided, single submitter. Criteria: ACMG Guidelines, 2015. Collection method: clinical testing. Allele origin: germline.
Comment: This missense variant replaces leucine with valine at codon 855 of the PALB2 protein. Computational prediction suggests that this variant may not impact protein structure and function (internally defined REVEL score threshold <= 0.5, PMID: 27666373). To our knowledge, functional studies have not been reported for this variant. This variant has not been reported in individuals affected with PALB2-related disorders in the literature. This variant has not been identified in the general population by the Genome Aggregation Database (gnomAD). The available evidence is insufficient to determine the role of this variant in disease conclusively. Therefore, this variant is classified as a Variant of Uncertain Significance.